The following is an entry in ClinVar:

NM_000260.4(MYO7A):c.6412G>A (p.Val2138Ile)

Gene: MYO7A (myosin VIIA; plus strand). Cytogenetic location: 11q13.5.
Variant type: single nucleotide variant.
Coding change: c.6412G>A on transcript NM_000260.4 (MANE Select); coding-DNA position 6412, G replaced by A.
Protein change: p.Val2138Ile; replaces valine 2138 with isoleucine.
Molecular consequence: missense variant.
Genome position (GRCh38, 1-based): chr11:77,213,009, G>A. VCF-style: chr11-77213009-G-A. GRCh37 (hg19) VCF-style: chr11-76924054-G-A.
Other names: c.6292G>A, p.Val2098Ile (NM_001127180.2); c.6265G>A, p.Val2089Ile (NM_001369365.1); short protein forms V2089I, V2138I, V2098I.
Identifiers: ClinVar variation 834135 (VCV000834135.7), dbSNP rs367647666, ClinGen allele CA6199056.

ClinVar aggregate classification (germline): Uncertain significance. Review status: criteria provided, multiple submitters, no conflicts (2 of 4 stars). 4 submissions from 4 submitters: Uncertain significance (3). 1 of the submissions does not count toward it. Last evaluated 2024-12-24.

Conditions:
Usher syndrome type 1B (USH1B). Also called: Usher syndrome type IB. Identifiers: MedGen C1848638, MONDO:0700087.

Allele frequency attached by ClinVar (database versions not stated): gnomAD exomes 0.00001 and 0.00004; TOPMed 0.00004; gnomAD 0.00005 and 0.00006; ExAC 0.00008; ESP Exome Variant Server 0.00025.
gnomAD v4.1: 67 of 1,588,816 alleles (0.0042%); highest among the groups gnomAD compares: Non-Finnish European, 0.0055%; no homozygotes.

Submissions (4):

Women's Health and Genetics/Laboratory Corporation of America, LabCorp
Classification: Uncertain significance. Last evaluated: 2024-12-24. Review status: criteria provided, single submitter. Criteria: LabCorp Variant Classification Summary - May 2015. Collection method: clinical testing. Allele origin: germline.
Comment: Variant summary: MYO7A c.6412G>A (p.Val2138Ile) results in a conservative amino acid change located in the FERM domain C-lobe, repeat 2 (IPR041794) of the encoded protein sequence. Four of five in-silico tools predict a benign effect of the variant on protein function. The variant allele was found at a frequency of 9.6e-06 in 208088 control chromosomes. The available data on variant occurrences in the general population are insufficient to allow any conclusion about variant significance. To our knowledge, no occurrence of c.6412G>A in individuals affected with Usher Syndrome and no experimental evidence demonstrating its impact on protein function have been reported. ClinVar contains an entry for this variant (Variation ID: 834135). Based on the evidence outlined above, the variant was classified as uncertain significance.

Labcorp Genetics (formerly Invitae), Labcorp
Classification: Uncertain significance. Last evaluated: 2024-07-04. Review status: criteria provided, single submitter. Criteria: Invitae Variant Classification Sherloc (09022015). Collection method: clinical testing. Allele origin: germline.
Comment: This sequence change replaces valine, which is neutral and non-polar, with isoleucine, which is neutral and non-polar, at codon 2138 of the MYO7A protein (p.Val2138Ile). This variant is present in population databases (rs367647666, gnomAD 0.007%). This variant has not been reported in the literature in individuals affected with MYO7A-related conditions. ClinVar contains an entry for this variant (Variation ID: 834135). Advanced modeling of protein sequence and biophysical properties (such as structural, functional, and spatial information, amino acid conservation, physicochemical variation, residue mobility, and thermodynamic stability) performed at Invitae indicates that this missense variant is not expected to disrupt MYO7A protein function with a negative predictive value of 95%. In summary, the available evidence is currently insufficient to determine the role of this variant in disease. Therefore, it has been classified as a Variant of Uncertain Significance.

GeneDx
Classification: Uncertain significance. Last evaluated: 2024-04-22. Review status: criteria provided, single submitter. Criteria: GeneDx Variant Classification Process June 2021. Collection method: clinical testing. Allele origin: germline. Affected: yes.
Comment: In silico analysis indicates that this missense variant does not alter protein structure/function; Has not been previously published as pathogenic or benign to our knowledge

Natera, Inc.
Classification: Uncertain significance for Usher syndrome type 1B. Last evaluated: 2020-04-17. Review status: no assertion criteria provided. Collection method: clinical testing. Allele origin: germline. Not counted in ClinVar's aggregate classification.